The following is an entry in ClinVar:

ClinVar aggregate classification (germline): Conflicting classifications of pathogenicity. Review status: criteria provided, conflicting classifications (1 of 4 stars). 7 submissions from 2 submitters: Uncertain significance (4); Benign (1); Likely benign (1). 1 of the submissions does not count toward it. Last evaluated 2018-01-13.

Conditions:
PSAP-related disorder. Also called: PSAP-related condition.
Combined PSAP deficiency (PSAPD). Also called: Encephalopathy due to prosaposin deficiency; PROSAPOSIN DEFICIENCY; COMBINED SAP DEFICIENCY. Identifiers: Orphanet 139406, MedGen C2673635, MONDO:0012719, OMIM 611721.
Krabbe disease due to saposin A deficiency. Also called: KRABBE DISEASE, ATYPICAL, DUE TO SAPOSIN A DEFICIENCY; Saposin A Deficiency. Identifiers: Orphanet 487, MedGen C2673266, MONDO:0012720, OMIM 611722.
Sphingolipid activator protein 1 deficiency. Also called: Metachromatic leukodystrophy due to saposin B deficiency; Saposin B Deficiency; METACHROMATIC LEUKODYSTROPHY DUE TO CEREBROSIDE SULFATASE ACTIVATOR DEFICIENCY. Identifiers: Orphanet 512, MedGen C0268262, MONDO:0009590, OMIM 249900.
Gaucher disease due to saposin C deficiency. Also called: Saposin C Deficiency; Atypical Gaucher disease due to saposin C deficiency. Identifiers: Orphanet 309252, Orphanet 355, MedGen C1864651, MONDO:0012517, OMIM 610539.
Autosomal recessive nonsyndromic hearing loss 12. Also called: DEAFNESS, AUTOSOMAL RECESSIVE 12. Identifiers: Orphanet 90636, MedGen C1832394, MONDO:0011067, OMIM 601386.
Usher syndrome type 1D (USH1D). Also called: USHER SYNDROME, TYPE ID. Identifiers: Orphanet 231169, Orphanet 886, MedGen C1832845, MONDO:0010984, OMIM 601067.

Allele frequency attached by ClinVar (database versions not stated): 1000 Genomes Project 30x 0.00078; gnomAD 0.00131 and 0.00125; TOPMed 0.00138; 1000 Genomes Project 0.00040; gnomAD exomes 0.00255.
gnomAD v4.1: 214 of 162,116 alleles (0.13%); highest among the groups gnomAD compares: Non-Finnish European, 0.23%; no homozygotes.

Submissions (7):

Illumina Laboratory Services, Illumina
Classification: Uncertain significance for Krabbe disease due to saposin A deficiency. Last evaluated: 2018-01-13. Review status: criteria provided, single submitter. Criteria: ICSL Variant Classification Criteria 13 December 2019. Collection method: clinical testing. Allele origin: germline.

Illumina Laboratory Services, Illumina
Classification: Benign for Gaucher disease due to saposin C deficiency. Last evaluated: 2018-01-13. Review status: criteria provided, single submitter. Criteria: ICSL Variant Classification Criteria 13 December 2019. Collection method: clinical testing. Allele origin: germline.
Comment: This variant was observed in the ICSL laboratory as part of a predisposition screen in an ostensibly healthy population. It had not been previously curated by ICSL or reported in the Human Gene Mutation Database (HGMD: prior to June 1st, 2018), and was therefore a candidate for classification through an automated scoring system. Utilizing variant allele frequency, disease prevalence and penetrance estimates, and inheritance mode, an automated score was calculated to assess if this variant is too frequent to cause the disease. Based on the score and internal cut-off values, a variant classified as benign is not then subjected to further curation. The score for this variant resulted in a classification of benign for this disease.

Illumina Laboratory Services, Illumina
Classification: Likely benign for Combined PSAP deficiency. Last evaluated: 2018-01-13. Review status: criteria provided, single submitter. Criteria: ICSL Variant Classification Criteria 13 December 2019. Collection method: clinical testing. Allele origin: germline.
Comment: This variant was observed in the ICSL laboratory as part of a predisposition screen in an ostensibly healthy population. It had not been previously curated by ICSL or reported in the Human Gene Mutation Database (HGMD: prior to June 1st, 2018), and was therefore a candidate for classification through an automated scoring system. Utilizing variant allele frequency, disease prevalence and penetrance estimates, and inheritance mode, an automated score was calculated to assess if this variant is too frequent to cause the disease. Based on the score and internal cut-off values, a variant classified as likely benign is not then subjected to further curation. The score for this variant resulted in a classification of likely benign for this disease.

Illumina Laboratory Services, Illumina
Classification: Uncertain significance for Sphingolipid activator protein 1 deficiency. Last evaluated: 2018-01-13. Review status: criteria provided, single submitter. Criteria: ICSL Variant Classification Criteria 13 December 2019. Collection method: clinical testing. Allele origin: germline.

Illumina Laboratory Services, Illumina
Classification: Uncertain significance for Usher syndrome type 1D. Last evaluated: 2018-01-13. Review status: criteria provided, single submitter. Criteria: ICSL Variant Classification Criteria 13 December 2019. Collection method: clinical testing. Allele origin: germline.

Illumina Laboratory Services, Illumina
Classification: Uncertain significance for Autosomal recessive nonsyndromic hearing loss 12. Last evaluated: 2018-01-13. Review status: criteria provided, single submitter. Criteria: ICSL Variant Classification Criteria 13 December 2019. Collection method: clinical testing. Allele origin: germline.

PreventionGenetics, part of Exact Sciences
Classification: Likely benign for PSAP-related condition. Last evaluated: 2021-10-18. Review status: no assertion criteria provided. Collection method: clinical testing. Allele origin: germline. Not counted in ClinVar's aggregate classification.
Comment: This variant is classified as likely benign based on ACMG/AMP sequence variant interpretation guidelines (Richards et al. 2015 PMID: 25741868, with internal and published modifications).

NM_022124.6(CDH23):c.*430A>T

Genes: CDH23 (cadherin related 23; plus strand), PSAP (prosaposin; minus strand). Cytogenetic location: 10q22.1.
Variant type: single nucleotide variant.
Coding change: c.*430A>T on transcript NM_022124.6 (MANE Select); 430 bases downstream of the stop codon, A replaced by T.
Molecular consequence: 3 prime UTR variant.
Genome position (GRCh38, 1-based): chr10:71,815,708, A>T. VCF-style: chr10-71815708-A-T. GRCh37 (hg19) VCF-style: chr10-73575465-A-T.
Other names: c.*430A>T (NM_001171933.1, NM_001171934.1, NM_001171935.1 and 1 more transcripts).
Identifiers: ClinVar variation 300491 (VCV000300491.10), dbSNP rs562268606, ClinGen allele CA10635727.